The following is an entry in ClinVar:

ClinVar aggregate classification (germline): Likely pathogenic (1 of 4 stars; one submission).

Conditions:
Cystic fibrosis (CF). Also called: MUCOVISCIDOSIS. Identifiers: Orphanet 586, MedGen C0010674, MONDO:0009061, OMIM 219700. Disease mechanism: loss of function.

Submission:

Labcorp Genetics (formerly Invitae), Labcorp
Classification: Likely pathogenic for Cystic fibrosis. Last evaluated: 2022-07-25. Review status: criteria provided, single submitter. Criteria: Invitae Variant Classification Sherloc (09022015). Collection method: clinical testing. Allele origin: germline.
Comment: In summary, the currently available evidence indicates that the variant is pathogenic, but additional data are needed to prove that conclusively. Therefore, this variant has been classified as Likely Pathogenic. This variant has not been reported in the literature in individuals affected with CFTR-related conditions. This variant results in a copy number gain of the genomic region encompassing exon(s) 4-17 of the CFTR gene. While the exact position of this variant cannot be determined from the data, sub-genic copy number gains are generally in tandem (PMID: 25640679). This variant is predicted to be out-of-frame, and may result in an absent or disrupted protein product. Loss-of-function variants in CFTR are known to be pathogenic (PMID: 1695717, 7691345, 9725922).

Literature cited by the submitters: PubMed 25640679; PubMed 1695717; PubMed 7691345; PubMed 9725922.

NC_000007.13:g.(?_117170943)_(117243859_?)dup

Gene: CFTR (CF transmembrane conductance regulator; plus strand). Cytogenetic location: 7q31.2.
Variant type: Duplication.
Identifiers: ClinVar variation 1510967 (VCV001510967.5).